The following is an entry in ClinVar:

NM_017636.4(TRPM4):c.1069C>T (p.Arg357Trp)

Gene: TRPM4 (transient receptor potential cation channel subfamily M member 4; plus strand). Cytogenetic location: 19q13.33.
Variant type: single nucleotide variant.
Coding change: c.1069C>T on transcript NM_017636.4 (MANE Select); coding-DNA position 1069, C replaced by T.
Protein change: p.Arg357Trp; replaces arginine 357 with tryptophan.
Molecular consequence: missense variant. On other transcripts: 5 prime UTR variant (1), intron variant (1).
Genome position (GRCh38, 1-based): chr19:49,172,027, C>T. VCF-style: chr19-49172027-C-T. GRCh37 (hg19) VCF-style: chr19-49675284-C-T.
Other names: c.1069C>T, p.Arg357Trp (NM_001195227.2); c.724C>T, p.Arg242Trp (NM_001321281.2); c.-485C>T (NM_001321282.2); c.547C>T, p.Arg183Trp (NM_001321283.2); c.201+258C>T (NM_001321285.2); short protein forms R357W, R183W, R242W.
Identifiers: ClinVar variation 222852 (VCV000222852.12), dbSNP rs764690335, ClinGen allele CA351424.

ClinVar aggregate classification (germline): Uncertain significance. Review status: criteria provided, multiple submitters, no conflicts (2 of 4 stars). 3 submissions from 3 submitters: Uncertain significance (3). Last evaluated 2026-01-14.

Conditions:
Progressive familial heart block type IB (PFHB1B). Identifiers: Orphanet 871, MedGen C1970298, MONDO:0011474, OMIM 604559.
Cardiovascular phenotype. Identifiers: MedGen CN230736.

Allele frequency attached by ClinVar (database versions not stated): gnomAD exomes 0.00003 and 0.00005; TOPMed 0.00004; ExAC 0.00005; gnomAD 0.00006 and 0.00007.

Submissions (3):

Labcorp Genetics (formerly Invitae), Labcorp
Classification: Uncertain significance for Progressive familial heart block type IB. Last evaluated: 2026-01-14. Review status: criteria provided, single submitter. Criteria: Invitae Variant Classification Sherloc (09022015). Collection method: clinical testing. Allele origin: germline.
Comment: This sequence change replaces arginine, which is basic and polar, with tryptophan, which is neutral and slightly polar, at codon 357 of the TRPM4 protein (p.Arg357Trp). This variant is present in population databases (rs764690335, gnomAD 0.01%). This variant has not been reported in the literature in individuals affected with TRPM4-related conditions. ClinVar contains an entry for this variant (Variation ID: 222852). An algorithm developed to predict the effect of missense changes on protein structure and function (PolyPhen-2) suggests that this variant is likely to be disruptive. In summary, the available evidence is currently insufficient to determine the role of this variant in disease. Therefore, it has been classified as a Variant of Uncertain Significance.

Blueprint Genetics
Classification: Uncertain significance. Last evaluated: 2024-11-20. Review status: criteria provided, single submitter. Criteria: ACMG Guidelines, 2015. Collection method: clinical testing. Allele origin: germline.

Ambry Genetics
Classification: Uncertain significance for Cardiovascular phenotype. Last evaluated: 2024-06-15. Review status: criteria provided, single submitter. Criteria: Ambry Variant Classification Scheme 2023. Collection method: clinical testing. Allele origin: germline.
Comment: The p.R357W variant (also known as c.1069C>T), located in coding exon 9 of the TRPM4 gene, results from a C to T substitution at nucleotide position 1069. The arginine at codon 357 is replaced by tryptophan, an amino acid with dissimilar properties. This amino acid position is well conserved in available vertebrate species. In addition, this alteration is predicted to be tolerated by in silico analysis. Since supporting evidence is limited at this time, the clinical significance of this alteration remains unclear.